The following is an entry in ClinVar:

ClinVar aggregate classification (germline): Uncertain significance. Review status: criteria provided, multiple submitters, no conflicts (2 of 4 stars). 2 submissions from 2 submitters: Uncertain significance (2). Last evaluated 2024-02-26.

Conditions:
Marfan syndrome (MFS). Also called: FBN1-Related Marfan Syndrome; MARFAN SYNDROME, TYPE I; Marfan syndrome type 1; Marfan's syndrome; Marfan syndrome, classic. Identifiers: Orphanet 284963, Orphanet 558, MedGen C0024796, MONDO:0007947, OMIM 154700.
Familial thoracic aortic aneurysm and aortic dissection (TAAD). Also called: Thoracic aortic aneurysms and dissections. Identifiers: Orphanet 91387, MedGen C4707243, MONDO:0019625.

Submissions (2):

GeneDx
Classification: Uncertain significance. Last evaluated: 2024-02-26. Review status: criteria provided, single submitter. Criteria: GeneDx Variant Classification Process June 2021. Collection method: clinical testing. Allele origin: germline. Affected: yes.
Comment: Not observed at significant frequency in large population cohorts (gnomAD); In silico analysis supports that this missense variant has a deleterious effect on protein structure/function; Has not been previously published as pathogenic or benign to our knowledge

Labcorp Genetics (formerly Invitae), Labcorp
Classification: Uncertain significance for Marfan syndrome; Familial thoracic aortic aneurysm and aortic dissection. Last evaluated: 2023-06-22. Review status: criteria provided, single submitter. Criteria: Invitae Variant Classification Sherloc (09022015). Collection method: clinical testing. Allele origin: germline.
Comment: ClinVar contains an entry for this variant (Variation ID: 953802). This missense change has been observed in individual(s) with clinical features of Marfan syndrome (Invitae). This variant is not present in population databases (gnomAD no frequency). This sequence change replaces serine, which is neutral and polar, with cysteine, which is neutral and slightly polar, at codon 2813 of the FBN1 protein (p.Ser2813Cys). Advanced modeling of protein sequence and biophysical properties (such as structural, functional, and spatial information, amino acid conservation, physicochemical variation, residue mobility, and thermodynamic stability) performed at Invitae indicates that this missense variant is expected to disrupt FBN1 protein function. In summary, the available evidence is currently insufficient to determine the role of this variant in disease. Therefore, it has been classified as a Variant of Uncertain Significance.

NM_000138.5(FBN1):c.8437A>T (p.Ser2813Cys)

Gene: FBN1 (fibrillin 1; minus strand). Cytogenetic location: 15q21.1.
Variant type: single nucleotide variant.
Coding change: c.8437A>T on transcript NM_000138.5 (MANE Select); coding-DNA position 8437, A replaced by T.
Protein change: p.Ser2813Cys; replaces serine 2813 with cysteine.
Molecular consequence: missense variant.
Genome position (GRCh38, 1-based): chr15:48,411,169, T>A on the plus strand (A>T on the coding strand, the complement: FBN1 is on the minus strand). VCF-style: chr15-48411169-T-A. GRCh37 (hg19) VCF-style: chr15-48703366-T-A.
Other names: short protein forms S2813C.
Identifiers: ClinVar variation 953802 (VCV000953802.10), dbSNP rs2042858812, ClinGen allele CA392319062.